The following is an entry in ClinVar:

ClinVar aggregate classification (germline): Uncertain significance (1 of 4 stars; one submission).

Conditions:
Inborn genetic diseases. Identifiers: MedGen C0950123, MeSH D030342.

Submission:

Ambry Genetics
Classification: Uncertain significance for Inborn genetic diseases. Last evaluated: 2025-05-24. Review status: criteria provided, single submitter. Criteria: Ambry Variant Classification Scheme 2023. Collection method: clinical testing. Allele origin: germline.
Comment: The p.D298Y variant (also known as c.892G>T), located in coding exon 6 of the G6PC3 gene, results from a G to T substitution at nucleotide position 892. The aspartic acid at codon 298 is replaced by tyrosine, an amino acid with highly dissimilar properties. This amino acid position is conserved. In addition, this alteration is predicted to be tolerated by in silico analysis. Based on the available evidence, the clinical significance of this variant remains unclear.

NM_138387.4(G6PC3):c.892G>T (p.Asp298Tyr)

Gene: G6PC3 (glucose-6-phosphatase catalytic subunit 3; plus strand). Cytogenetic location: 17q21.31.
Variant type: single nucleotide variant.
Coding change: c.892G>T on transcript NM_138387.4 (MANE Select); coding-DNA position 892, G replaced by T.
Protein change: p.Asp298Tyr; replaces aspartic acid 298 with tyrosine.
Molecular consequence: missense variant. On other transcripts: 3 prime UTR variant (1).
Genome position (GRCh38, 1-based): chr17:44,075,894, G>T. VCF-style: chr17-44075894-G-T. GRCh37 (hg19) VCF-style: chr17-42153262-G-T.
Other names: c.*185G>T (NM_001319945.2); c.547G>T, p.Asp183Tyr (NM_001384165.1, NM_001384166.1, NM_001384167.1 and 1 more transcripts); short protein forms D183Y, D298Y.
Identifiers: ClinVar variation 4027612 (VCV004027612.1).
Genomic context (GRCh38, chr17:44,075,894, plus strand): 5'-CTGGGAAATGGCCAGAAGATAGCCTGCCTTGTGCTGGCCATGGGGCTGCTGGGCCCCCTG[G>T]ACTGGCTGGGCCACCCCCCTCAGATCAGCCTCTTCTACATTTTCAATTTCCTCAAGTACA-3'
Protein context (NP_612396.1, residues 288-308): VLAMGLLGPL[Asp298Tyr]WLGHPPQISL